The following is an entry in ClinVar:

NM_052813.5(CARD9):c.1592C>T (p.Thr531Ile)

Gene: CARD9 (caspase recruitment domain family member 9; minus strand). Cytogenetic location: 9q34.3.
Variant type: single nucleotide variant.
Coding change: c.1592C>T on transcript NM_052813.5 (MANE Select); coding-DNA position 1592, C replaced by T.
Protein change: p.Thr531Ile; replaces threonine 531 with isoleucine.
Molecular consequence: missense variant. On other transcripts: intron variant (1).
Genome position (GRCh38, 1-based): chr9:136,364,321, G>A on the plus strand (C>T on the coding strand, the complement: CARD9 is on the minus strand). VCF-style: chr9-136364321-G-A. GRCh37 (hg19) VCF-style: chr9-139258773-G-A.
Other names: c.1442-159C>T (NM_052814.4); short protein forms T531I.
Identifiers: ClinVar variation 1996192 (VCV001996192.4), dbSNP rs1358233637, ClinGen allele CA375540683.

ClinVar aggregate classification (germline): Uncertain significance (1 of 4 stars; one submission).

Conditions:
Predisposition to invasive fungal disease due to CARD9 deficiency (IMD103). Also called: IMMUNODEFICIENCY 103, SUSCEPTIBILITY TO FUNGAL INFECTIONS; Candidiasis, familial, 2, autosomal recessive; CARD9 IMMUNODEFICIENCY. Identifiers: Orphanet 457088, MedGen C1859353, MONDO:0008905, OMIM 212050.

Submission:

Labcorp Genetics (formerly Invitae), Labcorp
Classification: Uncertain significance for Predisposition to invasive fungal disease due to CARD9 deficiency. Last evaluated: 2022-11-22. Review status: criteria provided, single submitter. Criteria: Invitae Variant Classification Sherloc (09022015). Collection method: clinical testing. Allele origin: germline.
Comment: This variant has not been reported in the literature in individuals affected with CARD9-related conditions. This variant is not present in population databases (gnomAD no frequency). This sequence change replaces threonine, which is neutral and polar, with isoleucine, which is neutral and non-polar, at codon 531 of the CARD9 protein (p.Thr531Ile). Algorithms developed to predict the effect of missense changes on protein structure and function are either unavailable or do not agree on the potential impact of this missense change (SIFT: "Deleterious"; PolyPhen-2: "Probably Damaging"; Align-GVGD: "Class C0"). In summary, the available evidence is currently insufficient to determine the role of this variant in disease. Therefore, it has been classified as a Variant of Uncertain Significance.